The following is an entry in ClinVar:

NM_001098511.3(KIF2A):c.554C>G (p.Ala185Gly)

Gene: KIF2A (kinesin family member 2A; plus strand). Cytogenetic location: 5q12.1.
Variant type: single nucleotide variant.
Coding change: c.554C>G on transcript NM_001098511.3 (MANE Select); coding-DNA position 554, C replaced by G.
Protein change: p.Ala185Gly; replaces alanine 185 with glycine.
Molecular consequence: missense variant.
Genome position (GRCh38, 1-based): chr5:62,353,371, C>G. VCF-style: chr5-62353371-C-G. GRCh37 (hg19) VCF-style: chr5-61649198-C-G.
Other names: c.473C>G, p.Ala158Gly (NM_001243952.2); c.497C>G, p.Ala166Gly (NM_001243953.2); c.554C>G, p.Ala185Gly (NM_004520.5); short protein forms A185G, A166G, A158G.
Identifiers: ClinVar variation 3655980 (VCV003655980.2).

ClinVar aggregate classification (germline): Uncertain significance (1 of 4 stars; one submission).

Submission:

Labcorp Genetics (formerly Invitae), Labcorp
Classification: Uncertain significance. Last evaluated: 2024-06-09. Review status: criteria provided, single submitter. Criteria: Invitae Variant Classification Sherloc (09022015). Collection method: clinical testing. Allele origin: germline.
Comment: This sequence change replaces alanine, which is neutral and non-polar, with glycine, which is neutral and non-polar, at codon 185 of the KIF2A protein (p.Ala185Gly). The frequency data for this variant in the population databases is considered unreliable, as metrics indicate poor data quality at this position in the gnomAD database. This variant has not been reported in the literature in individuals affected with KIF2A-related conditions. An algorithm developed to predict the effect of missense changes on protein structure and function (PolyPhen-2) suggests that this variant is likely to be disruptive. In summary, the available evidence is currently insufficient to determine the role of this variant in disease. Therefore, it has been classified as a Variant of Uncertain Significance.